The following is an entry in ClinVar:

NM_001384732.1(CPLANE1):c.5633T>C (p.Ile1878Thr)

Gene: CPLANE1 (ciliogenesis and planar polarity effector complex subunit 1; minus strand). Cytogenetic location: 5p13.2.
Variant type: single nucleotide variant.
Coding change: c.5633T>C on transcript NM_001384732.1 (MANE Select); coding-DNA position 5633, T replaced by C.
Protein change: p.Ile1878Thr; replaces isoleucine 1878 with threonine.
Molecular consequence: missense variant.
Genome position (GRCh38, 1-based): chr5:37,180,121, A>G on the plus strand (T>C on the coding strand, the complement: CPLANE1 is on the minus strand). VCF-style: chr5-37180121-A-G. GRCh37 (hg19) VCF-style: chr5-37180223-A-G.
Other names: c.5633T>C, p.Ile1878Thr (NM_023073.4); short protein forms I1878T.
Identifiers: ClinVar variation 2428135 (VCV002428135.3), dbSNP rs745671752, ClinGen allele CA359490172.
Genomic context (GRCh38, chr5:37,180,121, plus strand): 5'-GCTTCTACTTCTAAAAGATTCTCATCAATATCTATAAATTCTTTTTTAGTATTATGAGTG[A>G]TGGAAATAATATCATCATTGATTTCTTTTATATCAGGATTTTTTGCTTCAGTTGGCATTC-3'
Protein context (NP_001371661.1, residues 1868-1888): IKEINDDIIS[Ile1878Thr]THNTKKEFID

ClinVar aggregate classification (germline): Uncertain significance (1 of 4 stars; one submission).

Allele frequency attached by ClinVar (database versions not stated): TOPMed below 0.00001.

Submission:

Labcorp Genetics (formerly Invitae), Labcorp
Classification: Uncertain significance. Last evaluated: 2022-08-22. Review status: criteria provided, single submitter. Criteria: Invitae Variant Classification Sherloc (09022015). Collection method: clinical testing. Allele origin: germline.
Comment: This sequence change replaces isoleucine, which is neutral and non-polar, with threonine, which is neutral and polar, at codon 1878 of the CPLANE1 protein (p.Ile1878Thr). This variant is present in population databases (no rsID available, gnomAD 0.01%). This variant has not been reported in the literature in individuals affected with CPLANE1-related conditions. Advanced modeling of protein sequence and biophysical properties (such as structural, functional, and spatial information, amino acid conservation, physicochemical variation, residue mobility, and thermodynamic stability) performed at Invitae indicates that this missense variant is not expected to disrupt CPLANE1 protein function. In summary, the available evidence is currently insufficient to determine the role of this variant in disease. Therefore, it has been classified as a Variant of Uncertain Significance.